The following is an entry in ClinVar:

NM_001044385.3(TMEM237):c.326G>A (p.Arg109Gln)

Gene: TMEM237 (transmembrane protein 237; minus strand). Cytogenetic location: 2q33.1.
Variant type: single nucleotide variant.
Coding change: c.326G>A on transcript NM_001044385.3 (MANE Select); coding-DNA position 326, G replaced by A.
Protein change: p.Arg109Gln; replaces arginine 109 with glutamine.
Molecular consequence: missense variant.
Genome position (GRCh38, 1-based): chr2:201,633,380, C>T on the plus strand (G>A on the coding strand, the complement: TMEM237 is on the minus strand). VCF-style: chr2-201633380-C-T. GRCh37 (hg19) VCF-style: chr2-202498103-C-T.
Other names: c.302G>A, p.Arg101Gln (NM_152388.4); short protein forms R101Q, R109Q.
Identifiers: ClinVar variation 2159291 (VCV002159291.2), dbSNP rs777709042, ClinGen allele CA2056516.
Genomic context (GRCh38, chr2:201,633,380, plus strand): 5'-CTCCGAGGTTTTTGAATAACTGCCTCCTCAGCTGGCTCCGCATCAATACCATTTTCATTT[C>T]GTAATAAAGATGAACTAGATGACTTCTTTTGGGTGGAGGAAGTCTCCAATTCTGAAAACA-3'
Protein context (NP_001037850.1, residues 99-119): QKKSSSSSLL[Arg109Gln]NENGIDAEPA

ClinVar aggregate classification (germline): Uncertain significance (1 of 4 stars; one submission).

Conditions:
Joubert syndrome 14 (JBTS14). Identifiers: MedGen C3280766, MONDO:0013745, OMIM 614424.

Allele frequency attached by ClinVar (database versions not stated): ExAC 0.00002; TOPMed 0.00002; gnomAD 0.00003; gnomAD exomes 0.00003.
gnomAD v4.1: 41 of 1,586,118 alleles (0.0026%); highest among the groups gnomAD compares: South Asian, 0.01%; no homozygotes.

Submission:

Labcorp Genetics (formerly Invitae), Labcorp
Classification: Uncertain significance for Joubert syndrome 14. Last evaluated: 2022-10-17. Review status: criteria provided, single submitter. Criteria: Invitae Variant Classification Sherloc (09022015). Collection method: clinical testing. Allele origin: germline.
Comment: In summary, the available evidence is currently insufficient to determine the role of this variant in disease. Therefore, it has been classified as a Variant of Uncertain Significance. Advanced modeling of protein sequence and biophysical properties (such as structural, functional, and spatial information, amino acid conservation, physicochemical variation, residue mobility, and thermodynamic stability) performed at Invitae indicates that this missense variant is not expected to disrupt TMEM237 protein function. This variant has not been reported in the literature in individuals affected with TMEM237-related conditions. The frequency data for this variant in the population databases is considered unreliable, as metrics indicate poor data quality at this position in the gnomAD database. This sequence change replaces arginine, which is basic and polar, with glutamine, which is neutral and polar, at codon 109 of the TMEM237 protein (p.Arg109Gln).